The following continues an entry in ClinVar:

NM_000545.8(HNF1A):c.864delinsCC (p.Gly292fs)

Gene: HNF1A. ClinVar aggregate classification (germline): Pathogenic/Likely pathogenic. Pathogenic (11); Likely pathogenic (1).

Submissions 9 to 12 of 12:

Molecular Genetics, Royal Melbourne Hospital
Classification: Pathogenic for Monogenic diabetes. Last evaluated: 2023-09-04. Review status: criteria provided, single submitter. Criteria: ACMG Guidelines, 2015. Collection method: clinical testing. Allele origin: germline. Inheritance: Autosomal dominant inheritance. Affected: yes.
Comment: This multi-nucleotide sequence change in HNF1A is a frameshift variant observed to cause a premature stop codon (PMID: 10585442), p.(Gly292Argfs*25), in biologically relevant exon 4/10 leading to nonsense-mediated decay in a gene in which loss-of-function is an established disease mechanism (PMID: 8945470, 9566924, 29792621). Also described as c.863_864insC p.(Pro289Alafs*28) when not in combination with the common synonymous variant, rs56348580. The variant has quality flags in the population database gnomAD v2.1 and v3.1 and is not a reliable source for population allele frequency evidence. The frameshift variant occurs in a mutational hotspot and accounts for ~20% of HNF1A-related maturity-onset diabetes of the young (MODY) families (PMID: 24518839). It segregates with non-insulin-dependent diabetes mellitus in multiple families and has been identified as a de novo occurrence with confirmed parental relationships in at least one individual (PMID: 9166684). Based on the classification scheme RMH Modified ACMG/AMP Guidelines v1.6.1, this variant is classified as PATHOGENIC. Following criteria are met: PVS1, PP1_Strong.

GeneDx
Classification: Pathogenic. Last evaluated: 2021-11-11. Review status: criteria provided, single submitter. Criteria: GeneDx Variant Classification Process June 2021. Collection method: clinical testing. Allele origin: germline. Affected: yes.
Comment: Frameshift variant predicted to result in protein truncation or nonsense mediated decay in a gene for which loss-of-function is a known mechanism of disease; This variant is associated with the following publications: (PMID: 24355479, 33565752, 31936598, 30755392)

Clinical Genetics Service, Universitary Hospital 12 de Octubre
Classification: Pathogenic for Maturity-onset diabetes of the young type 3. Review status: criteria provided, single submitter. Criteria: ACMG Guidelines, 2015. Collection method: clinical testing. Allele origin: germline. Affected: yes.

Clinical Genomics, Uppaluri K&H Personalized Medicine Clinic
Classification: Likely pathogenic for Maturity-onset diabetes of the young. Review status: criteria provided, single submitter. Criteria: K & H Uppaluri Personalized Medicine Clinic Variant Classification & Assertion Criteria_Updated V.1. Collection method: research. Allele origin: unknown. Inheritance: Autosomal dominant inheritance.
Comment: Mutations in HNF1A gene can predispose to MODY3. It is associated with both micro and macrovascular complications of diabetes, especially cardiovascular complications. Associated with glucosuria. May respond well to sulfonylureas. However, more evidence is required to confer the association of this particular variant rs1593058932 with MODY3.

Literature cited by the submitters: PubMed 15928245 (cited by Labcorp Genetics (formerly Invitae), Labcorp); PubMed 18003757 (cited by Labcorp Genetics (formerly Invitae), Labcorp); PubMed 24355479 (cited by 3 submitters); PubMed 33565752 (cited by 3 submitters); PubMed 9166684 (cited by Genetics Department, Catlab and Molecular Genetics, Royal Melbourne Hospital); PubMed 8945470 (cited by Molecular Genetics, Royal Melbourne Hospital); PubMed 9566924 (cited by Molecular Genetics, Royal Melbourne Hospital); PubMed 10585442 (cited by Molecular Genetics, Royal Melbourne Hospital); PubMed 24518839 (cited by Molecular Genetics, Royal Melbourne Hospital); PubMed 29792621 (cited by Molecular Genetics, Royal Melbourne Hospital); PubMed 31517624 (cited by Clinical Genomics, Uppaluri K&H Personalized Medicine Clinic); PubMed 32395877 (cited by Clinical Genomics, Uppaluri K&H Personalized Medicine Clinic); PubMed 35328643 (cited by Clinical Genomics, Uppaluri K&H Personalized Medicine Clinic); PubMed 35673428 (cited by Clinical Genomics, Uppaluri K&H Personalized Medicine Clinic).